The following is an entry in ClinVar:

NM_004239.4(TRIP11):c.2004A>T (p.Leu668Phe)

Gene: TRIP11 (thyroid hormone receptor interactor 11; minus strand). Cytogenetic location: 14q32.12.
Variant type: single nucleotide variant.
Coding change: c.2004A>T on transcript NM_004239.4 (MANE Select); coding-DNA position 2004, A replaced by T.
Protein change: p.Leu668Phe; replaces leucine 668 with phenylalanine.
Molecular consequence: missense variant.
Genome position (GRCh38, 1-based): chr14:92,005,972, T>A on the plus strand (A>T on the coding strand, the complement: TRIP11 is on the minus strand). VCF-style: chr14-92005972-T-A. GRCh37 (hg19) VCF-style: chr14-92472316-T-A.
Other names: c.2001A>T, p.Leu667Phe (NM_001321851.1); short protein forms L667F, L668F.
Identifiers: ClinVar variation 1051651 (VCV001051651.8), dbSNP rs762335316, ClinGen allele CA7313846.

ClinVar aggregate classification (germline): Uncertain significance. Review status: criteria provided, multiple submitters, no conflicts (2 of 4 stars). 2 submissions from 2 submitters: Uncertain significance (2). Last evaluated 2024-11-11.

Conditions:
Achondrogenesis, type IA (ACG1A). Identifiers: Orphanet 932, Orphanet 93299, MedGen C0265273, MONDO:0008701, OMIM 200600.

Allele frequency attached by ClinVar (database versions not stated): ExAC 0.00001.
gnomAD v4.1: 7 of 1,612,454 alleles (0.00043%); highest among the groups gnomAD compares: Non-Finnish European, 0.00059%; no homozygotes.

Submissions (2):

Blueprint Genetics
Classification: Uncertain significance. Last evaluated: 2024-11-11. Review status: criteria provided, single submitter. Criteria: ACMG Guidelines, 2015. Collection method: clinical testing. Allele origin: germline.

Labcorp Genetics (formerly Invitae), Labcorp
Classification: Uncertain significance for Achondrogenesis, type IA. Last evaluated: 2024-10-23. Review status: criteria provided, single submitter. Criteria: Invitae Variant Classification Sherloc (09022015). Collection method: clinical testing. Allele origin: germline.
Comment: This sequence change replaces leucine, which is neutral and non-polar, with phenylalanine, which is neutral and non-polar, at codon 668 of the TRIP11 protein (p.Leu668Phe). This variant is present in population databases (rs762335316, gnomAD 0.004%). This variant has not been reported in the literature in individuals affected with TRIP11-related conditions. ClinVar contains an entry for this variant (Variation ID: 1051651). Invitae Evidence Modeling of protein sequence and biophysical properties (such as structural, functional, and spatial information, amino acid conservation, physicochemical variation, residue mobility, and thermodynamic stability) indicates that this missense variant is not expected to disrupt TRIP11 protein function with a negative predictive value of 80%. In summary, the available evidence is currently insufficient to determine the role of this variant in disease. Therefore, it has been classified as a Variant of Uncertain Significance.